The following is an entry in ClinVar:

NM_138459.5(NUS1):c.99G>A (p.Trp33Ter)

Gene: NUS1 (NUS1 dehydrodolichyl diphosphate synthase subunit; plus strand). Cytogenetic location: 6q22.1.
Variant type: single nucleotide variant.
Coding change: c.99G>A on transcript NM_138459.5 (MANE Select); coding-DNA position 99, G replaced by A.
Protein change: p.Trp33Ter; replaces tryptophan 33 with a stop codon.
Molecular consequence: nonsense.
Genome position (GRCh38, 1-based): chr6:117,675,769, G>A. VCF-style: chr6-117675769-G-A. GRCh37 (hg19) VCF-style: chr6-117996932-G-A.
Other names: short protein forms W33*.
Identifiers: ClinVar variation 1699400 (VCV001699400.3), dbSNP rs2114674415, ClinGen allele CA365535893.

ClinVar aggregate classification (germline): Pathogenic (1 of 4 stars; one submission).

Conditions:
Intellectual developmental disorder, autosomal dominant 55, with seizures. Also called: MENTAL RETARDATION, AUTOSOMAL DOMINANT 55, WITH SEIZURES; Intellectual disability, autosomal dominant 55, with seizures. Identifiers: MedGen C4693371, MONDO:0030921, OMIM 617831.

Submission:

Victorian Clinical Genetics Services, Murdoch Childrens Research Institute
Classification: Pathogenic for Intellectual developmental disorder, autosomal dominant 55, with seizures. Last evaluated: 2021-05-06. Review status: criteria provided, single submitter. Criteria: ACMG Guidelines, 2015. Collection method: clinical testing. Allele origin: germline. Inheritance: Autosomal dominant inheritance. Affected: yes.
Comment: Based on the classification scheme VCGS_Germline_v1.3.4, this variant is classified as Pathogenic. Following criteria are met: 0102 - Loss of function is a known mechanism of disease in this gene and is associated with NUS1-related neurodevelopmental syndrome. (I) 0107 - This gene is associated with autosomal dominant disease. (I) 0201 - Variant is predicted to cause nonsense-mediated decay (NMD) and loss of protein (premature termination codon is located at least 54 nucleotides upstream of the final exon-exon junction). (SP) 0251 - This variant is heterozygous. (I) 0301 - Variant is absent from gnomAD (both v2 and v3). (SP) 0702 - Other NMD predicted variants comparable to the one identified in this case have strong previous evidence for pathogenicity (ClinVar, PMID: 29100083, 31656175). (SP) 0807 - This variant has no previous evidence of pathogenicity. (I) 0905 - No published segregation evidence has been identified for this variant. (I) 1007 - No published functional evidence has been identified for this variant. (I) 1102 - Strong phenotype match for this individual. (SP) 1208 - Inheritance information for this variant is not currently available in this individual. (I) Legend: (SP) - Supporting pathogenic, (I) - Information, (SB) - Supporting benign

Literature cited by the submitters: PubMed 29100083; PubMed 31656175.